The following is an entry in ClinVar:

ClinVar aggregate classification (germline): Uncertain significance (1 of 4 stars; one submission).

Submission:

Mayo Clinic Laboratories, Mayo Clinic
Classification: Uncertain significance. Last evaluated: 2024-05-07. Review status: criteria provided, single submitter. Criteria: ACMG Guidelines, 2015. Collection method: clinical testing. Allele origin: germline. Observed: 1 variant allele.
Comment: PP3, PM2

NM_001365088.1(SLC12A6):c.2248C>T (p.Pro750Ser)

Gene: SLC12A6 (solute carrier family 12 member 6; minus strand). Cytogenetic location: 15q14.
Variant type: single nucleotide variant.
Coding change: c.2248C>T on transcript NM_001365088.1 (MANE Select); coding-DNA position 2248, C replaced by T.
Protein change: p.Pro750Ser; replaces proline 750 with serine.
Molecular consequence: missense variant.
Genome position (GRCh38, 1-based): chr15:34,241,252, G>A on the plus strand (C>T on the coding strand, the complement: SLC12A6 is on the minus strand). VCF-style: chr15-34241252-G-A. GRCh37 (hg19) VCF-style: chr15-34533453-G-A.
Other names: p.Pro750Ser; c.2071C>T, p.Pro691Ser (NM_001042494.2, NM_001042495.2); c.2221C>T, p.Pro741Ser (NM_001042496.2); c.2203C>T, p.Pro735Ser (NM_001042497.2); c.2095C>T, p.Pro699Ser (NM_005135.2); c.2248C>T, p.Pro750Ser (NM_133647.2); short protein forms P691S, P699S, P735S, P741S, P750S.
Identifiers: ClinVar variation 3380254 (VCV003380254.1).